The following is an entry in ClinVar:

NM_000038.6(APC):c.6853G>T (p.Val2285Phe)

Gene: APC (APC regulator of Wnt signaling pathway; plus strand). Cytogenetic location: 5q22.2.
Variant type: single nucleotide variant.
Coding change: c.6853G>T on transcript NM_000038.6 (MANE Select); coding-DNA position 6853, G replaced by T.
Protein change: p.Val2285Phe; replaces valine 2285 with phenylalanine.
Molecular consequence: missense variant.
Genome position (GRCh38, 1-based): chr5:112,842,447, G>T. VCF-style: chr5-112842447-G-T. GRCh37 (hg19) VCF-style: chr5-112178144-G-T.
Other names: c.6853G>T (NM_000038.5); c.6604G>T, p.Val2202Phe (NM_001407456.1, NM_001407457.1, NM_001407454.1 and 1 more transcripts); c.6550G>T, p.Val2184Phe (NM_001407458.1, NM_001407459.1, NM_001407460.1 and 1 more transcripts); c.6466G>T, p.Val2156Phe (NM_001407467.1, NM_001407469.1); c.6004G>T, p.Val2002Phe (NM_001407470.1, NM_001354906.2); c.5701G>T, p.Val1901Phe (NM_001407471.1, NM_001407472.1); c.6853G>T, p.Val2285Phe (NM_001127510.3, NM_001354895.2, NM_001407450.1); c.6799G>T, p.Val2267Phe (NM_001127511.3); and 12 more; short protein forms V2002F, V2257F, V2267F, V2278F, V2295F, V2313F, V2184F, V2244F.
Identifiers: ClinVar variation 1952784 (VCV001952784.7), dbSNP rs1554087794, ClinGen allele CA16036292.
Genomic context (GRCh38, chr5:112,842,447, plus strand): 5'-CAAACAGCCACCACTTCTCCTAGAGGAGCCAAGCCATCTGTGAAATCAGAATTAAGCCCT[G>T]TTGCCAGGCAGACATCCCAAATAGGTGGGTCAAGTAAAGCACCTTCTAGATCAGGATCTA-3'
Protein context (NP_000029.2, residues 2275-2295): KPSVKSELSP[Val2285Phe]ARQTSQIGGS

ClinVar aggregate classification (germline): Uncertain significance. Review status: criteria provided, multiple submitters, no conflicts (2 of 4 stars). 3 submissions from 3 submitters: Uncertain significance (3). Last evaluated 2026-02-28.

Conditions:
Hereditary cancer-predisposing syndrome. Also called: Hereditary Cancer Syndrome; Hereditary neoplastic syndrome; Neoplastic Syndromes, Hereditary; Tumor predisposition. Identifiers: Orphanet 140162, MedGen C0027672, MeSH D009386, MONDO:0015356.
Familial adenomatous polyposis 1 (FAP1). Also called: FAMILIAL ADENOMATOUS POLYPOSIS 1, ATTENUATED; POLYPOSIS, ADENOMATOUS INTESTINAL. Identifiers: MedGen C2713442, MONDO:0021056, OMIM 175100. Disease mechanism: loss of function.

Submissions (3):

Helix
Classification: Uncertain significance for Familial adenomatous polyposis 1. Last evaluated: 2026-02-28. Review status: criteria provided, single submitter. Criteria: ACMG Guidelines, 2015. Collection method: clinical testing. Allele origin: germline. Inheritance: Autosomal dominant inheritance.
Comment: This variant (NM_000038.6:c.6853G>T p.Val2285Phe) results in the substitution of valine with phenylalanine at codon 2285 in the APC protein. It is a rare variant that is absent from the large gnomAD population database (v4.1). To our knowledge, this variant has not been reported in individuals with APC-related conditions in the published literature. In silico prediction from REVEL (PMID: 27666373) suggests that this variant may be benign. This variant is present in ClinVar (Accession: VCV001952784.6). In conclusion, since the available evidence is limited, the clinical significance of this variant is unclear at this time. Therefore, it is classified as a Variant of Uncertain Significance.

Ambry Genetics
Classification: Uncertain significance for Hereditary cancer-predisposing syndrome. Last evaluated: 2024-09-15. Review status: criteria provided, single submitter. Criteria: Ambry Variant Classification Scheme 2023. Collection method: clinical testing. Allele origin: germline.
Comment: The p.V2285F variant (also known as c.6853G>T), located in coding exon 15 of the APC gene, results from a G to T substitution at nucleotide position 6853. The valine at codon 2285 is replaced by phenylalanine, an amino acid with highly similar properties. This amino acid position is conserved. In addition, in silico predictors for this gene do not accurately predict pathogenicity. Based on the available evidence, the clinical significance of this variant remains unclear.

Labcorp Genetics (formerly Invitae), Labcorp
Classification: Uncertain significance for Familial adenomatous polyposis 1. Last evaluated: 2022-07-09. Review status: criteria provided, single submitter. Criteria: Invitae Variant Classification Sherloc (09022015). Collection method: clinical testing. Allele origin: germline.
Comment: Algorithms developed to predict the effect of missense changes on protein structure and function are either unavailable or do not agree on the potential impact of this missense change (SIFT: "Deleterious"; PolyPhen-2: "Benign"; Align-GVGD: "Class C0"). This sequence change replaces valine, which is neutral and non-polar, with phenylalanine, which is neutral and non-polar, at codon 2285 of the APC protein (p.Val2285Phe). This variant is not present in population databases (gnomAD no frequency). This variant has not been reported in the literature in individuals affected with APC-related conditions. In summary, the available evidence is currently insufficient to determine the role of this variant in disease. Therefore, it has been classified as a Variant of Uncertain Significance.